The following is an entry in ClinVar:

NM_000094.4(COL7A1):c.3442C>A (p.Pro1148Thr)

Gene: COL7A1 (collagen type VII alpha 1 chain; minus strand). Cytogenetic location: 3p21.31.
Variant type: single nucleotide variant.
Coding change: c.3442C>A on transcript NM_000094.4 (MANE Select); coding-DNA position 3442, C replaced by A.
Protein change: p.Pro1148Thr; replaces proline 1148 with threonine.
Molecular consequence: missense variant.
Genome position (GRCh38, 1-based): chr3:48,586,440, G>T on the plus strand (C>A on the coding strand, the complement: COL7A1 is on the minus strand). VCF-style: chr3-48586440-G-T. GRCh37 (hg19) VCF-style: chr3-48623873-G-T.
Other names: short protein forms P1148T.
Identifiers: ClinVar variation 2711840 (VCV002711840.3), dbSNP rs1268918652, ClinGen allele CA352705725.

ClinVar aggregate classification (germline): Uncertain significance (1 of 4 stars; one submission).

Submission:

Labcorp Genetics (formerly Invitae), Labcorp
Classification: Uncertain significance. Last evaluated: 2023-06-11. Review status: criteria provided, single submitter. Criteria: Invitae Variant Classification Sherloc (09022015). Collection method: clinical testing. Allele origin: germline.
Comment: In summary, the available evidence is currently insufficient to determine the role of this variant in disease. Therefore, it has been classified as a Variant of Uncertain Significance. Advanced modeling of protein sequence and biophysical properties (such as structural, functional, and spatial information, amino acid conservation, physicochemical variation, residue mobility, and thermodynamic stability) performed at Invitae indicates that this missense variant is not expected to disrupt COL7A1 protein function. This variant has not been reported in the literature in individuals affected with COL7A1-related conditions. This variant is not present in population databases (gnomAD no frequency). This sequence change replaces proline, which is neutral and non-polar, with threonine, which is neutral and polar, at codon 1148 of the COL7A1 protein (p.Pro1148Thr).